The following is an entry in ClinVar:

ClinVar aggregate classification (germline): Uncertain significance (1 of 4 stars; one submission).

Allele frequency attached by ClinVar (database versions not stated): ExAC 0.00002; gnomAD 0.00002; gnomAD exomes 0.00002; TOPMed 0.00002.
gnomAD v4.1: 33 of 1,614,008 alleles (0.002%); highest among the groups gnomAD compares: Admixed American, 0.012%; no homozygotes.

Submission:

Labcorp Genetics (formerly Invitae), Labcorp
Classification: Uncertain significance. Last evaluated: 2023-12-31. Review status: criteria provided, single submitter. Criteria: Invitae Variant Classification Sherloc (09022015). Collection method: clinical testing. Allele origin: germline.
Comment: This sequence change replaces arginine, which is basic and polar, with tryptophan, which is neutral and slightly polar, at codon 18 of the MCM2 protein (p.Arg18Trp). This variant is present in population databases (rs775610133, gnomAD 0.003%). This variant has not been reported in the literature in individuals affected with MCM2-related conditions. An algorithm developed to predict the effect of missense changes on protein structure and function (PolyPhen-2) suggests that this variant is likely to be tolerated. In summary, the available evidence is currently insufficient to determine the role of this variant in disease. Therefore, it has been classified as a Variant of Uncertain Significance.

NM_004526.4(MCM2):c.52C>T (p.Arg18Trp)

Gene: MCM2 (minichromosome maintenance complex component 2; plus strand). Cytogenetic location: 3q21.3.
Variant type: single nucleotide variant.
Coding change: c.52C>T on transcript NM_004526.4 (MANE Select); coding-DNA position 52, C replaced by T.
Protein change: p.Arg18Trp; replaces arginine 18 with tryptophan.
Molecular consequence: missense variant. On other transcripts: non-coding transcript variant (1).
Genome position (GRCh38, 1-based): chr3:127,599,363, C>T. VCF-style: chr3-127599363-C-T. GRCh37 (hg19) VCF-style: chr3-127318206-C-T.
Other names: short protein forms R18W.
Identifiers: ClinVar variation 2993487 (VCV002993487.3), dbSNP rs775610133, ClinGen allele CA2595461.
Genomic context (GRCh38, chr3:127,599,363, plus strand): 5'-CACCTTCTCTTGCAGGAATCATCGGAATCCTTCACCATGGCATCCAGCCCGGCCCAGCGT[C>T]GGCGAGGCAATGATCCTCTCACCTCCAGCCCTGGCCGAAGCTCCCGGCGTACTGATGCCC-3'
Protein context (NP_004517.2, residues 8-28): FTMASSPAQR[Arg18Trp]RGNDPLTSSP